The following is an entry in ClinVar:

NM_152703.5(SAMD9L):c.3938G>C (p.Cys1313Ser)

Gene: SAMD9L (sterile alpha motif domain containing 9 like; minus strand). Cytogenetic location: 7q21.2.
Variant type: single nucleotide variant.
Coding change: c.3938G>C on transcript NM_152703.5 (MANE Select); coding-DNA position 3938, G replaced by C.
Protein change: p.Cys1313Ser; replaces cysteine 1313 with serine.
Molecular consequence: missense variant.
Genome position (GRCh38, 1-based): chr7:93,132,034, C>G on the plus strand (G>C on the coding strand, the complement: SAMD9L is on the minus strand). VCF-style: chr7-93132034-C-G. GRCh37 (hg19) VCF-style: chr7-92761347-C-G.
Other names: c.3938G>C, p.Cys1313Ser (NM_001303500.3, NM_001350082.2, NM_001350083.2 and 5 more transcripts); c.3938G>C (NM_152703.2); short protein forms C1313S.
Identifiers: ClinVar variation 2573849 (VCV002573849.2), dbSNP rs751866365, ClinGen allele CA4343383.
Genomic context (GRCh38, chr7:93,132,034, plus strand): 5'-TCTAGCTTTTTCCTGCAATTCTCCTCCTGGAGTAATTGACTCTCTTTACTTTGTAATAGA[C>G]ATGGATCCAAATGACAGAAAAGTTCTGTGTATTTCCTGAAACAACGACTGACTTTCTTGC-3'
Protein context (NP_689916.2, residues 1303-1323): YTELFCHLDP[Cys1313Ser]LLQSKESQLL

ClinVar aggregate classification (germline): Uncertain significance. Review status: criteria provided, multiple submitters, no conflicts (2 of 4 stars). 2 submissions from 2 submitters: Uncertain significance (2). Last evaluated 2025-08-01.

Conditions:
Inborn genetic diseases. Identifiers: MedGen C0950123, MeSH D030342.

Allele frequency attached by ClinVar (database versions not stated): gnomAD exomes below 0.00001; ExAC 0.00001.
gnomAD v4.1: 1 of 1,613,570 alleles (0.000062%); highest among the groups gnomAD compares: South Asian, 0.0011%; no homozygotes.

Submissions (2):

Ambry Genetics
Classification: Uncertain significance for Inborn genetic diseases. Last evaluated: 2025-08-01. Review status: criteria provided, single submitter. Criteria: Ambry Variant Classification Scheme 2023. Collection method: clinical testing. Allele origin: germline.

GeneDx
Classification: Uncertain significance. Last evaluated: 2023-01-20. Review status: criteria provided, single submitter. Criteria: GeneDx Variant Classification Process June 2021. Collection method: clinical testing. Allele origin: germline. Affected: yes.
Comment: Not observed at significant frequency in large population cohorts (gnomAD); In silico analysis supports that this missense variant does not alter protein structure/function; Has not been previously published as pathogenic or benign to our knowledge